The following is an entry in ClinVar:

NM_206926.2(SELENON):c.498_499del (p.Phe167fs)

Gene: SELENON (selenoprotein N; plus strand). Cytogenetic location: 1p36.11.
Variant type: Microsatellite.
Coding change: c.498_499del on transcript NM_206926.2 (MANE Select); coding-DNA positions 498 to 499, 2 bases deleted (GT; older notation c.498_499delGT).
Protein change: p.Phe167fs; shifts the reading frame from phenylalanine 167.
Molecular consequence: frameshift variant.
Genome position (GRCh38, 1-based): chr1:25,808,642-25,808,643, GT deleted; deleting any 2 consecutive bases within chr1:25,808,640-25,808,643 gives the same sequence; the c. name uses the placement nearest the transcript's 3' end. VCF-style (leftmost placement, unchanged base first): chr1-25808639-AGT-A. GRCh37 (hg19) VCF-style: chr1-26135130-AGT-A.
Other names: c.600_601delGT (NM_020451.2); c.600_601del, p.Phe201fs (NM_020451.3); short protein forms F167fs, F201fs.
Identifiers: ClinVar variation 2445962 (VCV002445962.1), dbSNP rs2524981730, ClinGen allele CA2580611146.

ClinVar aggregate classification (germline): Likely pathogenic (1 of 4 stars; one submission).

Conditions:
Eichsfeld type congenital muscular dystrophy (CMYO3). Also called: MYOPATHY, SEPN1-RELATED; SELENON-related myopathy; Congenital myopathy 3 with rigid spine; Rigid spine muscular dystrophy 1. Identifiers: MedGen C0410180, MONDO:0100100, OMIM 602771.

Submission:

Women's Health and Genetics/Laboratory Corporation of America, LabCorp
Classification: Likely pathogenic for Eichsfeld type congenital muscular dystrophy. Last evaluated: 2023-02-24. Review status: criteria provided, single submitter. Criteria: LabCorp Variant Classification Summary - May 2015. Collection method: clinical testing. Allele origin: germline.
Comment: Variant summary: SELENON c.600_601delGT (p.Phe201CysfsX18) results in a premature termination codon, predicted to cause a truncation of the encoded protein or absence of the protein due to nonsense mediated decay, which are commonly known mechanisms for disease. Truncations downstream of this position have been classified as pathogenic by our laboratory. The variant was absent in 248122 control chromosomes (gnomAD). To our knowledge, no occurrence of c.600_601delGT in individuals affected with Eichsfeld Type Congenital Muscular Dystrophy and no experimental evidence demonstrating its impact on protein function have been reported. No clinical diagnostic laboratories have submitted clinical-significance assessments for this variant to ClinVar after 2014. Based on the evidence outlined above, the variant was classified as likely pathogenic.